The following is an entry in ClinVar:

ClinVar aggregate classification (germline): Benign/Likely benign. Review status: criteria provided, multiple submitters, no conflicts (2 of 4 stars). 7 submissions from 7 submitters: Benign (5); Likely benign (2). Last evaluated 2025-12-15.

Conditions:
SMARCA2-related disorder. Also called: SMARCA2-related condition.
Inborn genetic diseases. Identifiers: MedGen C0950123, MeSH D030342.
Nicolaides-Baraitser syndrome (NCBRS). Also called: Intellectual disability-sparse hair-brachydactyly syndrome; SMARCA2-Related Nicolaides-Baraitser Syndrome. Identifiers: Orphanet 3051, MedGen C1303073, MONDO:0011053, OMIM 601358.

Allele frequency attached by ClinVar (database versions not stated): gnomAD exomes 0.00024 and 0.00011; ExAC 0.00027; 1000 Genomes Project 30x 0.00062; 1000 Genomes Project 0.00080; ESP Exome Variant Server 0.00085; TOPMed 0.00103; gnomAD 0.00106 and 0.00110.
gnomAD v4.1: 326 of 1,538,274 alleles (0.021%); highest among the groups gnomAD compares: African/African-American, 0.35%; 1 homozygote.

Submissions (7):

Labcorp Genetics (formerly Invitae), Labcorp
Classification: Benign. Last evaluated: 2025-12-15. Review status: criteria provided, single submitter. Criteria: Invitae Variant Classification Sherloc (09022015). Collection method: clinical testing. Allele origin: germline.

PreventionGenetics, part of Exact Sciences
Classification: Benign for SMARCA2-related condition. Last evaluated: 2025-07-23. Review status: criteria provided, single submitter. Criteria: ACMG Guidelines, 2015. Collection method: clinical testing. Allele origin: germline.
Comment: This variant is classified as benign based on ACMG/AMP sequence variant interpretation guidelines (Richards et al. 2015 PMID: 25741868, with internal and published modifications).

Blueprint Genetics
Classification: Likely benign. Last evaluated: 2023-12-04. Review status: criteria provided, single submitter. Criteria: ACMG Guidelines, 2015. Collection method: clinical testing. Allele origin: germline.

CeGaT Center for Human Genetics Tuebingen
Classification: Benign. Last evaluated: 2022-07-01. Review status: criteria provided, single submitter. Criteria: CeGaT Center For Human Genetics Tuebingen Variant Classification Criteria Version 2. Collection method: clinical testing. Allele origin: germline. Affected: yes. Observed: 1 variant allele.
Comment: SMARCA2: BS1, BS2

GeneDx
Classification: Benign. Last evaluated: 2021-09-29. Review status: criteria provided, single submitter. Criteria: GeneDx Variant Classification Process June 2021. Collection method: clinical testing. Allele origin: germline. Affected: yes.

Ambry Genetics
Classification: Likely benign for Inborn genetic diseases. Last evaluated: 2021-08-30. Review status: criteria provided, single submitter. Criteria: Ambry Variant Classification Scheme 2023. Collection method: clinical testing. Allele origin: germline.

Illumina Laboratory Services, Illumina
Classification: Benign for Nicolaides-Baraitser syndrome. Last evaluated: 2018-01-13. Review status: criteria provided, single submitter. Criteria: ICSL Variant Classification Criteria 13 December 2019. Collection method: clinical testing. Allele origin: germline.
Comment: This variant was observed in the ICSL laboratory as part of a predisposition screen in an ostensibly healthy population. It had not been previously curated by ICSL or reported in the Human Gene Mutation Database (HGMD: prior to June 1st, 2018), and was therefore a candidate for classification through an automated scoring system. Utilizing variant allele frequency, disease prevalence and penetrance estimates, and inheritance mode, an automated score was calculated to assess if this variant is too frequent to cause the disease. Based on the score and internal cut-off values, a variant classified as benign is not then subjected to further curation. The score for this variant resulted in a classification of benign for this disease.

NM_003070.5(SMARCA2):c.2349-3T>C

Gene: SMARCA2 (SWI/SNF related BAF chromatin remodeling complex subunit ATPase 2; plus strand). Cytogenetic location: 9p24.3.
Variant type: single nucleotide variant.
Coding change: c.2349-3T>C on transcript NM_003070.5 (MANE Select); 3 bases into the intron before coding-DNA position 2349, T replaced by C.
Molecular consequence: intron variant.
Genome position (GRCh38, 1-based): chr9:2,083,344, T>C. VCF-style: chr9-2083344-T-C. GRCh37 (hg19) VCF-style: chr9-2083344-T-C.
Other names: c.2349-3T>C (NM_139045.4, NM_001289397.2, NM_001289396.2 and 1 more transcripts).
Identifiers: ClinVar variation 366211 (VCV000366211.39), dbSNP rs371183012, ClinGen allele CA4963467.